The following is an entry in ClinVar:

NM_003242.6(TGFBR2):c.1405G>A (p.Asp469Asn)

Gene: TGFBR2 (transforming growth factor beta receptor 2; plus strand). Cytogenetic location: 3p24.1.
Variant type: single nucleotide variant.
Coding change: c.1405G>A on transcript NM_003242.6 (MANE Select); coding-DNA position 1405, G replaced by A.
Protein change: p.Asp469Asn; replaces aspartic acid 469 with asparagine.
Molecular consequence: missense variant.
Genome position (GRCh38, 1-based): chr3:30,688,392, G>A. VCF-style: chr3-30688392-G-A. GRCh37 (hg19) VCF-style: chr3-30729884-G-A.
Other names: c.1480G>A, p.Asp494Asn (NM_001024847.3); c.1588G>A, p.Asp530Asn (NM_001407126.1); c.1513G>A, p.Asp505Asn (NM_001407127.1); c.1432G>A, p.Asp478Asn (NM_001407128.1); c.1408G>A, p.Asp470Asn (NM_001407129.1); c.1402G>A, p.Asp468Asn (NM_001407130.1); c.1300G>A, p.Asp434Asn (NM_001407132.1, NM_001407133.1, NM_001407134.1 and 2 more transcripts); c.1120G>A, p.Asp374Asn (NM_001407137.1); and 2 more; short protein forms D179N, D468N, D434N, D470N, D349N, D478N, D494N, D374N.
Identifiers: ClinVar variation 4635590 (VCV004635590.1).

ClinVar aggregate classification (germline): Uncertain significance (1 of 4 stars; one submission).

Conditions:
Familial thoracic aortic aneurysm and aortic dissection (TAAD). Also called: Thoracic aortic aneurysms and dissections. Identifiers: Orphanet 91387, MedGen C4707243, MONDO:0019625.

Submission:

Ambry Genetics
Classification: Uncertain significance for Familial thoracic aortic aneurysm and aortic dissection. Last evaluated: 2025-09-18. Review status: criteria provided, single submitter. Criteria: Ambry Variant Classification Scheme 2023. Collection method: clinical testing. Allele origin: germline.
Comment: The p.D469N variant (also known as c.1405G>A), located in coding exon 6 of the TGFBR2 gene, results from a G to A substitution at nucleotide position 1405. The aspartic acid at codon 469 is replaced by asparagine, an amino acid with highly similar properties. This amino acid position is not well conserved in available vertebrate species. In addition, this alteration is predicted to be tolerated by in silico analysis. Based on the available evidence, the clinical significance of this variant remains unclear.